The following is an entry in ClinVar:

ClinVar aggregate classification (germline): Uncertain significance (1 of 4 stars; one submission).

Submission:

Athena Diagnostics
Classification: Uncertain significance. Last evaluated: 2024-01-30. Review status: criteria provided, single submitter. Criteria: Athena Diagnostics Criteria. Collection method: clinical testing. Allele origin: unknown.
Comment: Available data are insufficient to determine the clinical significance of the variant at this time. This variant has not been reported in large, multi-ethnic general populations. Computational tools yielded predictions that this variant is unlikely to have an effect on normal RNA splicing.

NM_000548.5(TSC2):c.4641_4649del (p.Leu1548_Val1550del)

Gene: TSC2 (TSC complex subunit 2; plus strand). Cytogenetic location: 16p13.3.
Variant type: Deletion.
Coding change: c.4641_4649del on transcript NM_000548.5 (MANE Select); coding-DNA positions 4641 to 4649, 9 bases deleted (CCTGTATGT; older notation c.4641_4649delCCTGTATGT).
Protein change: p.Leu1548_Val1550del.
Molecular consequence: inframe indel (on NM_000548.3). On other transcripts: non-coding transcript variant (5).
Genome position (GRCh38, 1-based): chr16:2,085,301-2,085,309, CCTGTATGT deleted; deleting any 9 consecutive bases within chr16:2,085,299-2,085,309 gives the same sequence; the c. name uses the placement nearest the transcript's 3' end. VCF-style (leftmost placement, unchanged base first): chr16-2085298-CGTCCTGTAT-C. GRCh37 (hg19) VCF-style: chr16-2135299-CGTCCTGTAT-C.
Other names: c.4641_4649delCCTGTATGT, p.Leu1548_Val1550del (NM_000548.3); c.4440_4448del, p.Leu1481_Val1483del (NM_001077183.3); c.4572_4580del, p.Leu1525_Val1527del (NM_001114382.3); c.4332_4340del, p.Leu1445_Val1447del (NM_001318827.2); c.4296_4304del, p.Leu1433_Val1435del (NM_001318829.2); c.3909_3917del, p.Leu1304_Val1306del (NM_001318831.2); c.4473_4481del, p.Leu1492_Val1494del (NM_001318832.2); c.4443_4451del, p.Leu1482_Val1484del (NM_001363528.2); and 27 more.
Identifiers: ClinVar variation 3571624 (VCV003571624.1).